The following is an entry in ClinVar:

ClinVar aggregate classification (germline): Uncertain significance (1 of 4 stars; one submission).

Submission:

Ambry Genetics
Classification: Uncertain significance. Last evaluated: 2021-11-03. Review status: criteria provided, single submitter. Criteria: Ambry Variant Classification Scheme 2023. Collection method: clinical testing. Allele origin: germline.
Comment: The p.G1438S variant (also known as c.4312G>A), located in coding exon 34 of the PRKDC gene, results from a G to A substitution at nucleotide position 4312. The glycine at codon 1438 is replaced by serine, an amino acid with similar properties. This amino acid position is conserved. In addition, this alteration is predicted to be tolerated by in silico analysis. Since supporting evidence is limited at this time, the clinical significance of this alteration remains unclear.

NM_006904.7(PRKDC):c.4312G>A (p.Gly1438Ser)

Gene: PRKDC (protein kinase, DNA-activated, catalytic subunit; minus strand). Cytogenetic location: 8q11.21.
Variant type: single nucleotide variant.
Coding change: c.4312G>A on transcript NM_006904.7 (MANE Select); coding-DNA position 4312, G replaced by A.
Protein change: p.Gly1438Ser; replaces glycine 1438 with serine.
Molecular consequence: missense variant.
Genome position (GRCh38, 1-based): chr8:47,888,619, C>T on the plus strand (G>A on the coding strand, the complement: PRKDC is on the minus strand). VCF-style: chr8-47888619-C-T. GRCh37 (hg19) VCF-style: chr8-48801180-C-T.
Other names: c.4312G>A, p.Gly1438Ser (NM_001081640.2); short protein forms G1438S.
Identifiers: ClinVar variation 1739644 (VCV001739644.2), dbSNP rs2551873586, ClinGen allele CA371145874.
Genomic context (GRCh38, chr8:47,888,619, plus strand): 5'-GCTGTTTACAGGCAGACACAACAGCAGCCAGCCTGCTCCTGTCCACTTGCGCGTCAGGGC[C>T]ATACAAGTTGACGGCACAAAGCTCCTCAATGCTGGCCATGTGACAAAACAGTAAATTAGG-3'
Protein context (NP_008835.5, residues 1428-1448): IEELCAVNLY[Gly1438Ser]PDAQVDRSRL